The following is an entry in ClinVar:

ClinVar aggregate classification (germline): Uncertain significance. Review status: criteria provided, multiple submitters, no conflicts (2 of 4 stars). 3 submissions from 3 submitters: Uncertain significance (3). Last evaluated 2025-12-13.

Conditions:
Developmental and epileptic encephalopathy, 64. Also called: EPILEPTIC ENCEPHALOPATHY, EARLY INFANTILE, 64. Identifiers: MedGen C4693899, MONDO:0033373, OMIM 618004.

Allele frequency attached by ClinVar (database versions not stated): TOPMed below 0.00001; gnomAD 0.00001.

Submissions (3):

Labcorp Genetics (formerly Invitae), Labcorp
Classification: Uncertain significance. Last evaluated: 2025-12-13. Review status: criteria provided, single submitter. Criteria: Invitae Variant Classification Sherloc (09022015). Collection method: clinical testing. Allele origin: germline.
Comment: This sequence change replaces leucine, which is neutral and non-polar, with proline, which is neutral and non-polar, at codon 282 of the RHOBTB2 protein (p.Leu282Pro). This variant is not present in population databases (gnomAD no frequency). This variant has not been reported in the literature in individuals affected with RHOBTB2-related conditions. ClinVar contains an entry for this variant (Variation ID: 1699446). Invitae Evidence Modeling of protein sequence and biophysical properties (such as structural, functional, and spatial information, amino acid conservation, physicochemical variation, residue mobility, and thermodynamic stability) indicates that this missense variant is not expected to disrupt RHOBTB2 protein function with a negative predictive value of 80%. In summary, the available evidence is currently insufficient to determine the role of this variant in disease. Therefore, it has been classified as a Variant of Uncertain Significance.

Blueprint Genetics
Classification: Uncertain significance. Last evaluated: 2024-10-23. Review status: criteria provided, single submitter. Criteria: ACMG Guidelines, 2015. Collection method: clinical testing. Allele origin: germline.

Victorian Clinical Genetics Services, Murdoch Childrens Research Institute
Classification: Uncertain significance for Developmental and epileptic encephalopathy, 64. Last evaluated: 2020-05-21. Review status: criteria provided, single submitter. Criteria: ACMG Guidelines, 2015. Collection method: clinical testing. Allele origin: germline. Inheritance: Autosomal dominant inheritance. Affected: yes.
Comment: Based on the classification scheme VCGS_Germline_v1.1.1, this variant is classified as 3B-VUS. Following criteria are met: 0105 - The mechanism of disease for this gene is not clearly established. (N) 0107 - This gene is known to be associated with autosomal dominant disease. (N) 0200 - Variant is predicted to result in a missense amino acid change from a leucine to a proline (exon 7). (N) 0251 - Variant is heterozygous. (N) 0301 - Variant is absent from gnomAD. (P) 0502 - Missense variant with conflicting in-silico predictions and/or uninformative conservation. (N) 0600 - Variant is located in an annotated domain or motif (BTB1 domain; NCBI). (N) 0705 - No comparable variants have previous evidence for pathogenicity. (N) 0807 - Variant has not previously been reported in a clinical context. (N) 0905 - No segregation evidence has been identified for this variant. (N) 1007 - No published functional evidence has been identified for this variant. (N) 1208 - Inheritance information for this variant is not currently available. (N) Legend: (P) - Pathogenic, (N) - Neutral, (B) - Benign

NM_015178.3(RHOBTB2):c.779T>C (p.Leu260Pro)

Gene: RHOBTB2 (Rho related BTB domain containing 2; plus strand). Cytogenetic location: 8p21.3.
Variant type: single nucleotide variant.
Coding change: c.779T>C on transcript NM_015178.3 (MANE Select); coding-DNA position 779, T replaced by C.
Protein change: p.Leu260Pro; replaces leucine 260 with proline.
Molecular consequence: missense variant.
Genome position (GRCh38, 1-based): chr8:23,007,024, T>C. VCF-style: chr8-23007024-T-C. GRCh37 (hg19) VCF-style: chr8-22864537-T-C.
Other names: c.845T>C, p.Leu282Pro (NM_001160036.2); c.800T>C, p.Leu267Pro (NM_001160037.2); c.779T>C, p.Leu260Pro (NM_001374791.1); short protein forms L260P, L267P, L282P.
Identifiers: ClinVar variation 1699446 (VCV001699446.9), dbSNP rs1018003807, ClinGen allele CA173876895.